The following is an entry in ClinVar:

ClinVar aggregate classification (germline): Benign/Likely benign. Review status: criteria provided, multiple submitters, no conflicts (2 of 4 stars). 7 submissions from 7 submitters: Benign (2); Likely benign (4). 1 of the submissions does not count toward it. Last evaluated 2026-01-06.

Conditions:
Achromatopsia 4 (ACHM4). Identifiers: Orphanet 49382, MedGen C1841721, MONDO:0013465, OMIM 613856.

Allele frequency attached by ClinVar (database versions not stated): ESP Exome Variant Server 0.00023; gnomAD 0.00115 and 0.00162; TOPMed 0.00229; ExAC 0.00285; gnomAD exomes 0.00316; 1000 Genomes Project 30x 0.00843; 1000 Genomes Project 0.00919.
gnomAD v4.1: 1,784 of 1,613,756 alleles (0.11%); highest among the groups gnomAD compares: East Asian, 1.6%; 23 homozygotes.

Submissions (7):

Labcorp Genetics (formerly Invitae), Labcorp
Classification: Benign. Last evaluated: 2026-01-06. Review status: criteria provided, single submitter. Criteria: Invitae Variant Classification Sherloc (09022015). Collection method: clinical testing. Allele origin: germline.

Genome-Nilou Lab
Classification: Likely benign for Achromatopsia 4. Last evaluated: 2023-04-11. Review status: criteria provided, single submitter. Criteria: ACMG Guidelines, 2015. Collection method: clinical testing. Allele origin: germline. Affected: no.

Illumina Laboratory Services, Illumina
Classification: Likely benign for Achromatopsia 4. Last evaluated: 2018-01-12. Review status: criteria provided, single submitter. Criteria: ICSL Variant Classification Criteria 13 December 2019. Collection method: clinical testing. Allele origin: germline.
Comment: This variant was observed in the ICSL laboratory as part of a predisposition screen in an ostensibly healthy population. It had not been previously curated by ICSL or reported in the Human Gene Mutation Database (HGMD: prior to June 1st, 2018), and was therefore a candidate for classification through an automated scoring system. Utilizing variant allele frequency, disease prevalence and penetrance estimates, and inheritance mode, an automated score was calculated to assess if this variant is too frequent to cause the disease. Based on the score and internal cut-off values, a variant classified as likely benign is not then subjected to further curation. The score for this variant resulted in a classification of likely benign for this disease.

Clinical Genetics DNA and cytogenetics Diagnostics Lab, Erasmus MC, Erasmus Medical Center
Classification: Likely benign for Achromatopsia 4. Last evaluated: 2017-06-28. Review status: criteria provided, single submitter. Criteria: ACGS Guidelines, 2013. Collection method: clinical testing. Allele origin: germline. Affected: yes. Study: VKGL Data-share Consensus.

Eurofins Ntd Llc (ga)
Classification: Benign. Last evaluated: 2016-10-31. Review status: criteria provided, single submitter. Criteria: EGL Classification Definitions 2015. Collection method: clinical testing. Allele origin: germline. Observed: 2 variant alleles, 2 heterozygotes.

Breakthrough Genomics
Classification: Likely benign. Review status: criteria provided, single submitter. Criteria: ACMG Guidelines, 2015. Collection method: not provided. Allele origin: germline. Inheritance: Unknown mechanism. Affected: yes.

Clinical Genetics, Academic Medical Center
Classification: Benign. Review status: no assertion criteria provided. Collection method: clinical testing. Allele origin: germline. Affected: yes. Study: VKGL Data-share Consensus. Not counted in ClinVar's aggregate classification.

NM_001377295.2(GNAT2):c.147C>T (p.Ile49=)

Gene: GNAT2 (G protein subunit alpha transducin 2; minus strand). Cytogenetic location: 1p13.3.
Variant type: single nucleotide variant.
Coding change: c.147C>T on transcript NM_001377295.2 (MANE Select); coding-DNA position 147, C replaced by T.
Protein change: p.Ile49=; no amino-acid change (isoleucine 49 retained).
Molecular consequence: synonymous variant.
Genome position (GRCh38, 1-based): chr1:109,610,479, G>A on the plus strand (C>T on the coding strand, the complement: GNAT2 is on the minus strand). VCF-style: chr1-109610479-G-A. GRCh37 (hg19) VCF-style: chr1-110153101-G-A.
Other names: c.147C>T, p.Ile49= (NM_001379232.1, NM_005272.5).
Identifiers: ClinVar variation 195241 (VCV000195241.24), dbSNP rs146945932, ClinGen allele CA241578.